The following is an entry in ClinVar:

NM_001374736.1(DST):c.3671A>G (p.Gln1224Arg)

Gene: DST (dystonin; minus strand). Cytogenetic location: 6p12.1.
Variant type: single nucleotide variant.
Coding change: c.3671A>G on transcript NM_001374736.1 (MANE Select); coding-DNA position 3671, A replaced by G.
Protein change: p.Gln1224Arg; replaces glutamine 1224 with arginine.
Molecular consequence: missense variant.
Genome position (GRCh38, 1-based): chr6:56,632,988, T>C on the plus strand (A>G on the coding strand, the complement: DST is on the minus strand). VCF-style: chr6-56632988-T-C. GRCh37 (hg19) VCF-style: chr6-56497786-T-C.
Other names: c.3572A>G, p.Gln1191Arg (NM_001144769.5); c.3158A>G, p.Gln1053Arg (NM_001144770.2); c.3671A>G, p.Gln1224Arg (NM_001374722.1); c.3038A>G, p.Gln1013Arg (NM_001374729.1, NM_001374730.1, NM_001386100.1 and 1 more transcripts); c.3698A>G, p.Gln1233Arg (NM_001374734.1); c.2060A>G, p.Gln687Arg (NM_001723.7, NM_015548.5); short protein forms Q1013R, Q1224R, Q1191R, Q1053R, Q1233R, Q687R.
Identifiers: ClinVar variation 1938583 (VCV001938583.5), dbSNP rs1392776681, ClinGen allele CA364575406.

ClinVar aggregate classification (germline): Uncertain significance (1 of 4 stars; one submission).

Conditions:
Hereditary sensory and autonomic neuropathy type 6. Also called: Neuropathy, hereditary sensory and autonomic, type VI; HSAN VI. Identifiers: Orphanet 314381, MedGen C3539003, MONDO:0013839, OMIM 614653.
Epidermolysis bullosa simplex 3, localized or generalized intermediate, with BP230 deficiency (EBS3). Also called: Epidermolysis bullosa simplex due to BP230 deficiency; Epidermolysis bullosa simplex, autosomal recessive 2. Identifiers: Orphanet 412181, MedGen C3809470, MONDO:0014180, OMIM 615425.

Submission:

Labcorp Genetics (formerly Invitae), Labcorp
Classification: Uncertain significance for Epidermolysis bullosa simplex 3, localized or generalized intermediate, with BP230 deficiency; Hereditary sensory and autonomic neuropathy type 6. Last evaluated: 2022-07-12. Review status: criteria provided, single submitter. Criteria: Invitae Variant Classification Sherloc (09022015). Collection method: clinical testing. Allele origin: germline.
Comment: This variant has not been reported in the literature in individuals affected with DST-related conditions. Algorithms developed to predict the effect of missense changes on protein structure and function are either unavailable or do not agree on the potential impact of this missense change (SIFT: "Deleterious"; PolyPhen-2: "Possibly Damaging"; Align-GVGD: "Class C0"). In summary, the available evidence is currently insufficient to determine the role of this variant in disease. Therefore, it has been classified as a Variant of Uncertain Significance. This sequence change replaces glutamine, which is neutral and polar, with arginine, which is basic and polar, at codon 687 of the DST protein (p.Gln687Arg). This variant is not present in population databases (gnomAD no frequency).